The following is an entry in ClinVar:

NM_175748.4(UBR7):c.276C>T (p.Tyr92=)

Gene: UBR7 (ubiquitin protein ligase E3 component n-recognin 7; plus strand). Cytogenetic location: 14q32.12.
Variant type: single nucleotide variant.
Coding change: c.276C>T on transcript NM_175748.4 (MANE Select); coding-DNA position 276, C replaced by T.
Protein change: p.Tyr92=; no amino-acid change (tyrosine 92 retained).
Molecular consequence: synonymous variant.
Genome position (GRCh38, 1-based): chr14:93,209,949, C>T. VCF-style: chr14-93209949-C-T. GRCh37 (hg19) VCF-style: chr14-93676295-C-T.
Other names: c.-178C>T (NM_018108.2).
Identifiers: ClinVar variation 2644473 (VCV002644473.24), dbSNP rs745548290, ClinGen allele CA7319791.

ClinVar aggregate classification (germline): Likely benign (1 of 4 stars; one submission).

Allele frequency attached by ClinVar (database versions not stated): gnomAD exomes 0.00008; ExAC 0.00015; gnomAD 0.00017.
gnomAD v4.1: 138 of 1,613,920 alleles (0.0086%); highest among the groups gnomAD compares: Non-Finnish European, 0.00017%; no homozygotes.

Submission:

CeGaT Center for Human Genetics Tuebingen
Classification: Likely benign. Last evaluated: 2022-03-01. Review status: criteria provided, single submitter. Criteria: CeGaT Center For Human Genetics Tuebingen Variant Classification Criteria Version 2. Collection method: clinical testing. Allele origin: germline. Affected: yes. Observed: 1 variant allele.
Comment: UBR7: BP4, BP7